The following is an entry in ClinVar:

ClinVar aggregate classification (germline): Uncertain significance (1 of 4 stars; one submission).

Conditions:
Hereditary cancer-predisposing syndrome. Also called: Hereditary Cancer Syndrome; Hereditary neoplastic syndrome; Neoplastic Syndromes, Hereditary; Tumor predisposition. Identifiers: Orphanet 140162, MedGen C0027672, MeSH D009386, MONDO:0015356.

Submission:

Ambry Genetics
Classification: Uncertain significance for Hereditary cancer-predisposing syndrome. Last evaluated: 2025-05-16. Review status: criteria provided, single submitter. Criteria: Ambry Variant Classification Scheme 2023. Collection method: clinical testing. Allele origin: germline.
Comment: The p.I725N variant (also known as c.2174T>A), located in coding exon 4 of the MSH6 gene, results from a T to A substitution at nucleotide position 2174. The isoleucine at codon 725 is replaced by asparagine, an amino acid with dissimilar properties. This amino acid position is conserved. In addition, this alteration is predicted to be tolerated by in silico analysis. Based on the available evidence, the clinical significance of this variant remains unclear.

NM_000179.3(MSH6):c.2174T>A (p.Ile725Asn)

Gene: MSH6 (mutS homolog 6; plus strand). Cytogenetic location: 2p16.3.
Variant type: single nucleotide variant.
Coding change: c.2174T>A on transcript NM_000179.3 (MANE Select); coding-DNA position 2174, T replaced by A.
Protein change: p.Ile725Asn; replaces isoleucine 725 with asparagine.
Molecular consequence: missense variant. On other transcripts: intron variant (2), non-coding transcript variant (5).
Genome position (GRCh38, 1-based): chr2:47,800,157, T>A. VCF-style: chr2-47800157-T-A. GRCh37 (hg19) VCF-style: chr2-48027296-T-A.
Other names: c.628-509T>A (NM_001407362.1); c.1606+568T>A (NM_001406817.1); c.1784T>A, p.Ile595Asn (NM_001281492.2); c.1268T>A, p.Ile423Asn (NM_001281493.2, NM_001281494.2, NM_001406811.1 and 6 more transcripts); c.2270T>A, p.Ile757Asn (NM_001406795.1, NM_001406802.1); c.2174T>A, p.Ile725Asn (NM_001406796.1, NM_001406798.1, NM_001406800.1 and 3 more transcripts); c.1877T>A, p.Ile626Asn (NM_001406797.1, NM_001406801.1, NM_001406805.1 and 10 more transcripts); c.1649T>A, p.Ile550Asn (NM_001406799.1, NM_001406806.1, NM_001406807.1); and 3 more; short protein forms I550N, I595N, I727N, I669N, I423N, I699N, I725N, I626N.
Identifiers: ClinVar variation 3913720 (VCV003913720.1).